The following is an entry in ClinVar:

ClinVar aggregate classification (germline): Uncertain significance. Review status: criteria provided, multiple submitters, no conflicts (2 of 4 stars). 2 submissions from 2 submitters: Uncertain significance (2). Last evaluated 2022-12-11.

Conditions:
Cardiovascular phenotype. Identifiers: MedGen CN230736.
Hypertrophic cardiomyopathy 20. Identifiers: MedGen C3151267, MONDO:0013477, OMIM 613876.
Dilated cardiomyopathy 1CC (CMD1CC). Identifiers: Orphanet 154, MedGen C2751084, MONDO:0013147, OMIM 613122.

Allele frequency attached by ClinVar (database versions not stated): gnomAD below 0.00001 and 0.00001; gnomAD exomes below 0.00001 and 0.00001; 1000 Genomes Project 30x 0.00016; 1000 Genomes Project 0.00020.
gnomAD v4.1: 13 of 1,613,838 alleles (0.00081%); highest among the groups gnomAD compares: South Asian, 0.013%; no homozygotes.

Submissions (2):

Ambry Genetics
Classification: Uncertain significance for Cardiovascular phenotype. Last evaluated: 2022-12-11. Review status: criteria provided, single submitter. Criteria: Ambry Variant Classification Scheme 2023. Collection method: clinical testing. Allele origin: germline.
Comment: The p.F251C variant (also known as c.752T>G), located in coding exon 7 of the NEXN gene, results from a T to G substitution at nucleotide position 752. The phenylalanine at codon 251 is replaced by cysteine, an amino acid with highly dissimilar properties. This amino acid position is conserved. In addition, this alteration is predicted to be deleterious by in silico analysis. Since supporting evidence is limited at this time, the clinical significance of this alteration remains unclear.

Labcorp Genetics (formerly Invitae), Labcorp
Classification: Uncertain significance for Dilated cardiomyopathy 1CC; Hypertrophic cardiomyopathy 20. Last evaluated: 2022-03-09. Review status: criteria provided, single submitter. Criteria: Invitae Variant Classification Sherloc (09022015). Collection method: clinical testing. Allele origin: germline.
Comment: ClinVar contains an entry for this variant (Variation ID: 575147). This variant has not been reported in the literature in individuals affected with NEXN-related conditions. This variant is present in population databases (rs554389574, gnomAD 0.003%). This sequence change replaces phenylalanine, which is neutral and non-polar, with cysteine, which is neutral and slightly polar, at codon 251 of the NEXN protein (p.Phe251Cys). Algorithms developed to predict the effect of missense changes on protein structure and function (SIFT, PolyPhen-2, Align-GVGD) all suggest that this variant is likely to be disruptive. In summary, the available evidence is currently insufficient to determine the role of this variant in disease. Therefore, it has been classified as a Variant of Uncertain Significance.

NM_144573.4(NEXN):c.752T>G (p.Phe251Cys)

Gene: NEXN (nexilin F-actin binding protein; plus strand). Cytogenetic location: 1p31.1.
Variant type: single nucleotide variant.
Coding change: c.752T>G on transcript NM_144573.4 (MANE Select); coding-DNA position 752, T replaced by G.
Protein change: p.Phe251Cys; replaces phenylalanine 251 with cysteine.
Molecular consequence: missense variant.
Genome position (GRCh38, 1-based): chr1:77,926,780, T>G. VCF-style: chr1-77926780-T-G. GRCh37 (hg19) VCF-style: chr1-78392465-T-G.
Other names: c.560T>G, p.Phe187Cys (NM_001172309.2); short protein forms F251C, F187C.
Identifiers: ClinVar variation 575147 (VCV000575147.10), dbSNP rs554389574, ClinGen allele CA24678731.